The following is an entry in ClinVar:

ClinVar aggregate classification (germline): Pathogenic/Likely pathogenic. Review status: criteria provided, multiple submitters, no conflicts (2 of 4 stars). 6 submissions from 6 submitters: Pathogenic (4); Likely pathogenic (2). Last evaluated 2026-01-19.

Conditions:
Hereditary cancer-predisposing syndrome. Also called: Neoplastic Syndromes, Hereditary; Hereditary Cancer Syndrome; Tumor predisposition; Hereditary neoplastic syndrome. Identifiers: Orphanet 140162, MedGen C0027672, MeSH D009386, MONDO:0015356.
Nijmegen breakage syndrome-like disorder (NBSLD). Also called: MICROCEPHALY AND SPONTANEOUS CHROMOSOME INSTABILITY WITHOUT IMMUNODEFICIENCY; NBS-LIKE DISORDER; RAD50 DEFICIENCY. Identifiers: Orphanet 240760, MedGen C2751318, MONDO:0013118, OMIM 613078.

Allele frequency attached by ClinVar (database versions not stated): ExAC 0.00002; gnomAD 0.00002; gnomAD exomes 0.00002; TOPMed 0.00003; ESP Exome Variant Server 0.00008.
gnomAD v4.1: 27 of 1,613,450 alleles (0.0017%); highest among the groups gnomAD compares: African/African-American, 0.004%; no homozygotes.

Submissions (6):

Labcorp Genetics (formerly Invitae), Labcorp
Classification: Pathogenic for Hereditary cancer-predisposing syndrome. Last evaluated: 2026-01-19. Review status: criteria provided, single submitter. Criteria: Invitae Variant Classification Sherloc (09022015). Collection method: clinical testing. Allele origin: germline.
Comment: This sequence change creates a premature translational stop signal (p.Arg1077*) in the RAD50 gene. It is expected to result in an absent or disrupted protein product. Loss-of-function variants in RAD50 are known to be pathogenic (PMID: 19409520). This variant is present in population databases (rs368980595, gnomAD 0.004%). This variant has not been reported in the literature in individuals affected with RAD50-related conditions. ClinVar contains an entry for this variant (Variation ID: 231200). RNA analysis performed to evaluate the impact of this premature translational stop signal on mRNA splicing indicates it does not significantly alter splicing (internal data). For these reasons, this variant has been classified as Pathogenic.

Baylor Genetics
Classification: Pathogenic for Nijmegen breakage syndrome-like disorder. Last evaluated: 2024-03-21. Review status: criteria provided, single submitter. Criteria: ACMG Guidelines, 2015. Collection method: clinical testing. Allele origin: unknown.

Ambry Genetics
Classification: Pathogenic for Hereditary cancer-predisposing syndrome. Last evaluated: 2023-04-28. Review status: criteria provided, single submitter. Criteria: Ambry Variant Classification Scheme 2023. Collection method: clinical testing. Allele origin: germline.
Comment: The p.R1077* pathogenic mutation (also known as c.3229C>T), located in coding exon 21 of the RAD50 gene, results from a C to T substitution at nucleotide position 3229. This changes the amino acid from an arginine to a stop codon within coding exon 21. This alteration was identified in a patient diagnosed with ovarian cancer (Lilyquist J et al. Gynecol. Oncol., 2017 11;147:375-380). In addition to the clinical data presented in the literature, this alteration is expected to result in loss of function by premature protein truncation or nonsense-mediated mRNA decay. As such, this alteration is interpreted as a disease-causing mutation.

Fulgent Genetics
Classification: Pathogenic for Nijmegen breakage syndrome-like disorder. Last evaluated: 2021-07-27. Review status: criteria provided, single submitter. Criteria: ACMG Guidelines, 2015. Collection method: clinical testing. Allele origin: unknown.

CeGaT Center for Human Genetics Tuebingen
Classification: Likely pathogenic. Last evaluated: 2021-01-01. Review status: criteria provided, single submitter. Criteria: CeGaT Center For Human Genetics Tuebingen Variant Classification Criteria Version 2. Collection method: clinical testing. Allele origin: germline. Affected: yes. Observed: 1 variant allele.

Juno Genomics, Hangzhou Juno Genomics, Inc
Classification: Likely pathogenic for Nijmegen breakage syndrome-like disorder. Review status: criteria provided, single submitter. Criteria: ACMG Guidelines, 2015. Collection method: clinical testing. Allele origin: germline. Affected: yes.
Comment: Null variant in a gene where loss of function (LOF) is a known mechanism of disease.;Absent from controls (or at extremely low frequency if recessive) in Genome Aggregation Database, Exome Sequencing Project, 1000 Genomes Project, or Exome Aggregation Consortium.

Literature cited by the submitters: PubMed 19409520 (cited by Labcorp Genetics (formerly Invitae), Labcorp); PubMed 28888541 (cited by Ambry Genetics).

NM_005732.4(RAD50):c.3229C>T (p.Arg1077Ter)

Gene: RAD50 (RAD50 double strand break repair protein; plus strand). Cytogenetic location: 5q31.1.
Variant type: single nucleotide variant.
Coding change: c.3229C>T on transcript NM_005732.4 (MANE Select); coding-DNA position 3229, C replaced by T.
Protein change: p.Arg1077Ter; replaces arginine 1077 with a stop codon.
Molecular consequence: nonsense.
Genome position (GRCh38, 1-based): chr5:132,618,134, C>T. VCF-style: chr5-132618134-C-T. GRCh37 (hg19) VCF-style: chr5-131953826-C-T.
Other names: short protein forms R1077*.
Identifiers: ClinVar variation 231200 (VCV000231200.58), dbSNP rs368980595, ClinGen allele CA3405544.